The following is an entry in ClinVar:

ClinVar aggregate classification (germline): Benign. Review status: criteria provided, multiple submitters, no conflicts (2 of 4 stars). 8 submissions from 7 submitters: Benign (7). 1 of the submissions does not count toward it. Last evaluated 2026-02-04.

Conditions:
Hydrops-lactic acidosis-sideroblastic anemia-multisystemic failure syndrome. Also called: Hydrops, lactic acidosis, and sideroblastic anemia. Identifiers: Orphanet 528091, MedGen C4310761, MONDO:0014869, OMIM 617021.
Perrault syndrome 4 (PRLTS4). Identifiers: Orphanet 2855, MedGen C3809105, MONDO:0014126, OMIM 615300.

Allele frequency attached by ClinVar (database versions not stated): ESP Exome Variant Server 0.77418; TOPMed 0.77546; gnomAD 0.79777 and 0.78771; gnomAD exomes 0.91198 and 0.93620; 1000 Genomes Project 0.78295; ExAC 0.90257; 1000 Genomes Project 30x 0.77452.
gnomAD v4.1: 1,485,249 of 1,610,528 alleles (92%); highest among the groups gnomAD compares: East Asian, 98%; 695,764 homozygotes.

Submissions (8):

Labcorp Genetics (formerly Invitae), Labcorp
Classification: Benign. Last evaluated: 2026-02-04. Review status: criteria provided, single submitter. Criteria: Invitae Variant Classification Sherloc (09022015). Collection method: clinical testing. Allele origin: germline.

Genome-Nilou Lab
Classification: Benign for Hydrops-lactic acidosis-sideroblastic anemia-multisystemic failure syndrome. Last evaluated: 2021-08-19. Review status: criteria provided, single submitter. Criteria: ACMG Guidelines, 2015. Collection method: clinical testing. Allele origin: germline. Affected: no.

Genome-Nilou Lab
Classification: Benign for Perrault syndrome 4. Last evaluated: 2021-08-19. Review status: criteria provided, single submitter. Criteria: ACMG Guidelines, 2015. Collection method: clinical testing. Allele origin: germline. Affected: no.

GeneDx
Classification: Benign. Last evaluated: 2015-12-02. Review status: criteria provided, single submitter. Criteria: GeneDx Variant Classification (06012015). Collection method: clinical testing. Allele origin: germline. Affected: yes.
Comment: This variant is considered likely benign or benign based on one or more of the following criteria: it is a conservative change, it occurs at a poorly conserved position in the protein, it is predicted to be benign by multiple in silico algorithms, and/or has population frequency not consistent with disease.

Laboratory for Molecular Medicine, Mass General Brigham Personalized Medicine
Classification: Benign. Last evaluated: 2014-11-24. Review status: criteria provided, single submitter. Criteria: LMM Criteria. Collection method: clinical testing. Allele origin: germline. Observed: 997 variant alleles.
Comment: Leu351Leu in exon 11 of LARS2: This variant is not expected to have clinical sig nificance because it does not alter an amino acid residue and is not located wit hin the splice consensus sequence. It has been identified in 44.0% (1937/4406) o f African American chromosomes from a broad population by the NHLBI Exome Sequen cing Project (dbSNP rs7610357).

Breakthrough Genomics
Classification: Benign. Review status: criteria provided, single submitter. Criteria: ACMG Guidelines, 2015. Collection method: not provided. Allele origin: germline. Inheritance: Autosomal recessive inheritance. Affected: yes.

PreventionGenetics, part of Exact Sciences
Classification: Benign. Review status: criteria provided, single submitter. Criteria: ACMG Guidelines, 2015. Collection method: clinical testing. Allele origin: germline.

Mayo Clinic Laboratories, Mayo Clinic
Classification: Benign. Last evaluated: 2016-02-16. Review status: no assertion criteria provided. Collection method: clinical testing. Allele origin: unknown. Not counted in ClinVar's aggregate classification.

NM_015340.4(LARS2):c.1053T>C (p.Leu351=)

Genes: LARS2 (leucyl-tRNA synthetase 2, mitochondrial; plus strand), LARS2-AS1 (LARS2 antisense RNA 1; minus strand). Cytogenetic location: 3p21.31.
Variant type: single nucleotide variant.
Coding change: c.1053T>C on transcript NM_015340.4 (MANE Select); coding-DNA position 1053, T replaced by C.
Protein change: p.Leu351=; no amino-acid change (leucine 351 retained).
Molecular consequence: synonymous variant.
Genome position (GRCh38, 1-based): chr3:45,485,726, T>C. VCF-style: chr3-45485726-T-C. GRCh37 (hg19) VCF-style: chr3-45527218-T-C.
Other names: c.1053T>C, p.Leu351= (NM_001368263.1).
Identifiers: ClinVar variation 226691 (VCV000226691.18), dbSNP rs7610357, ClinGen allele CA2349500.